The following is an entry in ClinVar:

NM_014241.4(HACD1):c.743_747del (p.Tyr248fs)

Gene: HACD1 (3-hydroxyacyl-CoA dehydratase 1; minus strand). Cytogenetic location: 10p12.33.
Variant type: Deletion.
Coding change: c.743_747del on transcript NM_014241.4 (MANE Select); coding-DNA positions 743 to 747, 5 bases deleted (ACTAT; older notation c.743_747delACTAT).
Protein change: p.Tyr248fs; shifts the reading frame from tyrosine 248.
Molecular consequence: frameshift variant.
Genome position (GRCh38, 1-based): chr10:17,594,242-17,594,246, ATAGT deleted on the plus strand (ACTAT on the coding strand, the reverse complement: HACD1 is on the minus strand); deleting any 5 consecutive bases within chr10:17,594,242-17,594,247 gives the same sequence; the c. name uses the placement nearest the transcript's 3' end. VCF-style (leftmost placement, unchanged base first): chr10-17594241-AATAGT-A. GRCh37 (hg19) VCF-style: chr10-17636240-AATAGT-A.
Other names: short protein forms Y248fs.
Identifiers: ClinVar variation 1452988 (VCV001452988.6), dbSNP rs1435802242, ClinGen allele CA662407878.

ClinVar aggregate classification (germline): Pathogenic (1 of 4 stars; one submission).

Submission:

Labcorp Genetics (formerly Invitae), Labcorp
Classification: Pathogenic. Last evaluated: 2022-06-05. Review status: criteria provided, single submitter. Criteria: Invitae Variant Classification Sherloc (09022015). Collection method: clinical testing. Allele origin: germline.
Comment: This variant has not been reported in the literature in individuals affected with HACD1-related conditions. ClinVar contains an entry for this variant (Variation ID: 1452988). This variant disrupts a region of the HACD1 protein in which other variant(s) (p.Tyr248*) have been determined to be pathogenic (PMID: 23933735). This suggests that this is a clinically significant region of the protein, and that variants that disrupt it are likely to be disease-causing. For these reasons, this variant has been classified as Pathogenic. This sequence change creates a premature translational stop signal (p.Tyr248Leufs*39) in the HACD1 gene. While this is not anticipated to result in nonsense mediated decay, it is expected to disrupt the last 41 amino acid(s) of the HACD1 protein. This variant is not present in population databases (gnomAD no frequency).

Literature cited by the submitters: PubMed 23933735.